The following is an entry in ClinVar:

NM_001846.4(COL4A2):c.4465G>A (p.Gly1489Ser)

Genes: COL4A2 (collagen type IV alpha 2 chain; plus strand), COL4A2-AS1 (COL4A2 antisense RNA 1; minus strand). Cytogenetic location: 13q34.
Variant type: single nucleotide variant.
Coding change: c.4465G>A on transcript NM_001846.4 (MANE Select); coding-DNA position 4465, G replaced by A.
Protein change: p.Gly1489Ser; replaces glycine 1489 with serine.
Molecular consequence: missense variant.
Genome position (GRCh38, 1-based): chr13:110,506,477, G>A. VCF-style: chr13-110506477-G-A. GRCh37 (hg19) VCF-style: chr13-111158824-G-A.
Other names: c.4465G>A (NM_001846.2); short protein forms G1489S.
Identifiers: ClinVar variation 1897655 (VCV001897655.5), dbSNP rs760682735, ClinGen allele CA7050554.

ClinVar aggregate classification (germline): Uncertain significance. Review status: criteria provided, multiple submitters, no conflicts (2 of 4 stars). 2 submissions from 2 submitters: Uncertain significance (2). Last evaluated 2025-03-04.

Conditions:
Inborn genetic diseases. Identifiers: MedGen C0950123, MeSH D030342.

Allele frequency attached by ClinVar (database versions not stated): ExAC 0.00002; gnomAD exomes 0.00002; TOPMed 0.00002; gnomAD 0.00003.
gnomAD v4.1: 38 of 1,612,314 alleles (0.0024%); highest among the groups gnomAD compares: South Asian, 0.0055%; no homozygotes.

Submissions (2):

Ambry Genetics
Classification: Uncertain significance for Inborn genetic diseases. Last evaluated: 2025-03-04. Review status: criteria provided, single submitter. Criteria: Ambry Variant Classification Scheme 2023. Collection method: clinical testing. Allele origin: germline.

Labcorp Genetics (formerly Invitae), Labcorp
Classification: Uncertain significance. Last evaluated: 2022-03-26. Review status: criteria provided, single submitter. Criteria: Invitae Variant Classification Sherloc (09022015). Collection method: clinical testing. Allele origin: germline.
Comment: In summary, the available evidence is currently insufficient to determine the role of this variant in disease. Therefore, it has been classified as a Variant of Uncertain Significance. Advanced modeling of protein sequence and biophysical properties (such as structural, functional, and spatial information, amino acid conservation, physicochemical variation, residue mobility, and thermodynamic stability) performed at Invitae indicates that this missense variant is not expected to disrupt COL4A2 protein function. This variant has not been reported in the literature in individuals affected with COL4A2-related conditions. This variant is present in population databases (rs760682735, gnomAD 0.007%). This sequence change replaces glycine, which is neutral and non-polar, with serine, which is neutral and polar, at codon 1489 of the COL4A2 protein (p.Gly1489Ser).